The following is an entry in ClinVar:

ClinVar aggregate classification (germline): Pathogenic (1 of 4 stars; one submission).

Conditions:
Neuronal ceroid lipofuscinosis. Also called: Neuronal Ceroid Lipofuscinoses. Identifiers: Orphanet 216, Orphanet 79263, MedGen C0027877, MONDO:0016295. Disease mechanism: loss of function.

Allele frequency attached by ClinVar (database versions not stated): gnomAD 0.00001.

Submission:

Labcorp Genetics (formerly Invitae), Labcorp
Classification: Pathogenic for Neuronal ceroid lipofuscinosis. Last evaluated: 2022-04-30. Review status: criteria provided, single submitter. Criteria: Invitae Variant Classification Sherloc (09022015). Collection method: clinical testing. Allele origin: germline.
Comment: For these reasons, this variant has been classified as Pathogenic. This variant disrupts a region of the CLN6 protein in which other variant(s) (p.Pro299Leu) have been determined to be pathogenic (PMID: 19135028). This suggests that this is a clinically significant region of the protein, and that variants that disrupt it are likely to be disease-causing. This variant has not been reported in the literature in individuals affected with CLN6-related conditions. This variant is not present in population databases (gnomAD no frequency). This sequence change creates a premature translational stop signal (p.His247Thrfs*22) in the CLN6 gene. While this is not anticipated to result in nonsense mediated decay, it is expected to disrupt the last 65 amino acid(s) of the CLN6 protein.

Literature cited by the submitters: PubMed 19135028.

NM_017882.3(CLN6):c.739del (p.His247fs)

Gene: CLN6 (CLN6 transmembrane ER protein; minus strand). Cytogenetic location: 15q23.
Variant type: Deletion.
Coding change: c.739del on transcript NM_017882.3 (MANE Select); coding-DNA position 739, one base deleted (C; older notation c.739delC).
Protein change: p.His247fs; shifts the reading frame from histidine 247.
Molecular consequence: frameshift variant.
Genome position (GRCh38, 1-based): chr15:68,208,337, G deleted on the plus strand (C on the coding strand, the reverse complement: CLN6 is on the minus strand). VCF-style (leftmost placement, unchanged base first): chr15-68208336-TG-T. GRCh37 (hg19) VCF-style: chr15-68500674-TG-T.
Other names: c.835delC, p.His279Thrfs (NM_001411068.1); short protein forms H247fs.
Identifiers: ClinVar variation 2129163 (VCV002129163.4), dbSNP rs2093194038, ClinGen allele CA971078681.